The following is an entry in ClinVar:

ClinVar aggregate classification (germline): Uncertain significance (1 of 4 stars; one submission).

Conditions:
Brugada syndrome 8 (BRGDA8). Identifiers: Orphanet 130, MedGen C2751083, MONDO:0013148, OMIM 613123.

Submission:

Labcorp Genetics (formerly Invitae), Labcorp
Classification: Uncertain significance for Brugada syndrome 8. Last evaluated: 2025-10-22. Review status: criteria provided, single submitter. Criteria: Invitae Variant Classification Sherloc (09022015). Collection method: clinical testing. Allele origin: germline.
Comment: This sequence change replaces serine, which is neutral and polar, with proline, which is neutral and non-polar, at codon 87 of the HCN4 protein (p.Ser87Pro). This variant is not present in population databases (gnomAD no frequency). This variant has not been reported in the literature in individuals affected with HCN4-related conditions. Invitae Evidence Modeling of protein sequence and biophysical properties (such as structural, functional, and spatial information, amino acid conservation, physicochemical variation, residue mobility, and thermodynamic stability) indicates that this missense variant is not expected to disrupt HCN4 protein function with a negative predictive value of 95%. In summary, the available evidence is currently insufficient to determine the role of this variant in disease. Therefore, it has been classified as a Variant of Uncertain Significance.

NM_005477.3(HCN4):c.259T>C (p.Ser87Pro)

Gene: HCN4 (hyperpolarization activated cyclic nucleotide gated potassium channel 4; minus strand). Cytogenetic location: 15q24.1.
Variant type: single nucleotide variant.
Coding change: c.259T>C on transcript NM_005477.3 (MANE Select); coding-DNA position 259, T replaced by C.
Protein change: p.Ser87Pro; replaces serine 87 with proline.
Molecular consequence: missense variant.
Genome position (GRCh38, 1-based): chr15:73,368,012, A>G on the plus strand (T>C on the coding strand, the complement: HCN4 is on the minus strand). VCF-style: chr15-73368012-A-G. GRCh37 (hg19) VCF-style: chr15-73660353-A-G.
Other names: short protein forms S87P.
Identifiers: ClinVar variation 4802405 (VCV004802405.1).
Genomic context (GRCh38, chr15:73,368,012, plus strand): 5'-CCCGGCTGCCCAGCGAGGCCAGGCTCCCGCGGAAGCGCCTGCAGTCGCCGTTCGTGCTGG[A>G]CTTGCCCGCGCCGCGGGCCGGCCCTTCGCTGTCCGCTGCCCCGAGGGCCGAGCTCCGGGA-3'
Protein context (NP_005468.1, residues 77-97): SEGPARGAGK[Ser87Pro]STNGDCRRFR